The following is an entry in ClinVar:

ClinVar aggregate classification (germline): Pathogenic. Review status: criteria provided, multiple submitters, no conflicts (2 of 4 stars). 3 submissions from 3 submitters: Pathogenic (3). Last evaluated 2023-07-25.

Conditions:
Inborn genetic diseases. Identifiers: MedGen C0950123, MeSH D030342.
Congenital disorder of deglycosylation (CDDG). Identifiers: MedGen C3808991, MONDO:0031376.

Submissions (3):

Labcorp Genetics (formerly Invitae), Labcorp
Classification: Pathogenic for Congenital disorder of deglycosylation. Last evaluated: 2023-07-25. Review status: criteria provided, single submitter. Criteria: Invitae Variant Classification Sherloc (09022015). Collection method: clinical testing. Allele origin: germline.
Comment: This sequence change creates a premature translational stop signal (p.Asn415Metfs*23) in the NGLY1 gene. It is expected to result in an absent or disrupted protein product. Loss-of-function variants in NGLY1 are known to be pathogenic (PMID: 24651605). This variant is not present in population databases (gnomAD no frequency). This premature translational stop signal has been observed in individual(s) with clinical features of NGLY1-related conditions (PMID: 25356970). ClinVar contains an entry for this variant (Variation ID: 817637). For these reasons, this variant has been classified as Pathogenic.

GeneDx
Classification: Pathogenic. Last evaluated: 2019-03-22. Review status: criteria provided, single submitter. Criteria: GeneDx Variant Classification (06012015). Collection method: clinical testing. Allele origin: germline. Affected: yes.
Comment: The c.1242delT pathogenic variant in the NGLY1 gene has been reported previously in a patient with intellectual disability, hypotonia, and seizures who had a second variant on the opposite allele (Farwell et al., 2015). The deletion causes a frameshift starting with codon Asparagine 415, changes this amino acid to a Methionine residue and creates a premature Stop codon at position 23 of the new reading frame, denoted p.Asn415MetfsX23. This pathogenic variant is predicted to cause loss of normal protein function either through protein truncation or nonsense-mediated mRNA decay. The c.1242delT variant is not observed in large population cohorts (Lek et al., 2016). We interpret c.1242delT as a pathogenic variant.

Ambry Genetics
Classification: Pathogenic for Inborn genetic diseases. Last evaluated: 2017-12-19. Review status: criteria provided, single submitter. Criteria: Ambry exome assertion method (8-5-2015). Collection method: clinical testing. Allele origin: germline. Affected: yes. Observed: 1 variant allele.

Literature cited by the submitters: PubMed 24651605 (cited by Labcorp Genetics (formerly Invitae), Labcorp); PubMed 25356970 (cited by Labcorp Genetics (formerly Invitae), Labcorp).

NM_018297.4(NGLY1):c.1242del (p.Asn415fs)

Gene: NGLY1 (N-glycanase 1; minus strand). Cytogenetic location: 3p24.2.
Variant type: Deletion.
Coding change: c.1242del on transcript NM_018297.4 (MANE Select); coding-DNA position 1242, one base deleted (T; older notation c.1242delT).
Protein change: p.Asn415fs; shifts the reading frame from asparagine 415.
Molecular consequence: frameshift variant.
Genome position (GRCh38, 1-based): chr3:25,733,890, A deleted on the plus strand (T on the coding strand, the reverse complement: NGLY1 is on the minus strand); the first of 2 consecutive A bases (chr3:25,733,890-25,733,891); deleting either gives the same sequence. VCF-style (leftmost placement, unchanged base first): chr3-25733889-TA-T. GRCh37 (hg19) VCF-style: chr3-25775380-TA-T.
Other names: c.1188del, p.Asn397fs (NM_001145293.2); c.1116del, p.Asn373fs (NM_001145294.2); c.1242del, p.Asn415fs (NM_001145295.2); short protein forms N373fs, N397fs, N415fs.
Identifiers: ClinVar variation 817637 (VCV000817637.12), dbSNP rs1575616394, ClinGen allele CA915941876.
Genomic context (GRCh38, chr3:25,733,889, plus strand): 5'-AAAAATGTCAACTGTTCTTTCAAAAAAGATAGCCACACCATACCTGCTTATTAAGCCCAT[TA>T]ATAGTGTCTCGAAGTAATGCTTCTTTAACCTTAGTTCTTCTGGCAATCACCTCTTCATGT-3'